The following is an entry in ClinVar:

ClinVar aggregate classification (germline): Uncertain significance (1 of 4 stars; one submission).

Conditions:
Hyperinsulinemic hypoglycemia, familial, 1 (HHF1). Also called: NESIDIOBLASTOSIS OF PANCREAS; Persistent hyperinsulinemic hypoglycemia of infancy; Persistent Hyperinsulinemia Hypoglycemia of Infancy; HYPERINSULINISM, FAMILIAL, WITH PANCREATIC NESIDIOBLASTOSIS; HYPOGLYCEMIA, HYPERINSULINEMIC, OF INFANCY. Identifiers: Orphanet 276575, Orphanet 276598, MedGen C2931832, MONDO:0009734, OMIM 256450.

Submission:

3billion
Classification: Uncertain significance for Hyperinsulinemic hypoglycemia, familial, 1. Last evaluated: 2023-08-21. Review status: criteria provided, single submitter. Criteria: ACMG Guidelines, 2015. Collection method: clinical testing. Allele origin: germline. Affected: yes.
Comment: The variant is observed at an extremely low frequency in the gnomAD v2.1.1 dataset (total allele frequency: 0.000%). Predicted Consequence/Location: Inframe deletion located in a nonrepeat region: predicted to change the length of the protein and disrupt normal protein function. Therefore, this variant is classified as VUS according to the recommendation of ACMG/AMP guideline.

NM_000352.6(ABCC8):c.670CTG[1] (p.Leu225del)

Gene: ABCC8 (ATP binding cassette subfamily C member 8; minus strand). Cytogenetic location: 11p15.1.
Variant type: Microsatellite.
Coding change: c.670CTG[1] on transcript NM_000352.6 (MANE Select); one copy of the 3-base unit CTG starting at c.670; the reference has two copies in a row; one copy, 3 bases deleted; also written c.673_675del.
Protein change: p.Leu225del; deletes leucine 225.
Molecular consequence: inframe deletion. On other transcripts: non-coding transcript variant (1).
Genome position (GRCh38, 1-based): chr11:17,461,730-17,461,732, CAG deleted on the plus strand (CTG on the coding strand, the reverse complement: ABCC8 is on the minus strand); deleting any 3 consecutive bases within chr11:17,461,730-17,461,735 gives the same sequence; the position shown is the placement nearest the transcript's 3' end. VCF-style (leftmost placement, unchanged base first): chr11-17461729-ACAG-A. GRCh37 (hg19) VCF-style: chr11-17483276-ACAG-A.
Other names: c.670CTG[1], p.Leu225del (NM_001287174.3, NM_001351295.2, NM_001351296.2 and 1 more transcripts); c.673_675del (NM_000352.6); short protein forms L225del.
Identifiers: ClinVar variation 3775245 (VCV003775245.1).